The following is an entry in ClinVar:

NM_000287.4(PEX6):c.1180_1182delinsAC (p.Asp394fs)

Gene: PEX6 (peroxisomal biogenesis factor 6; minus strand). Cytogenetic location: 6p21.1.
Variant type: Indel.
Coding change: c.1180_1182delinsAC on transcript NM_000287.4 (MANE Select); coding-DNA positions 1180 to 1182, GAT replaced by AC.
Protein change: p.Asp394fs; shifts the reading frame from aspartic acid 394.
Molecular consequence: frameshift variant. On other transcripts: non-coding transcript variant (1).
Genome position (GRCh38, 1-based): chr6:42,969,936-42,969,938, ATC replaced by GT on the plus strand (GAT replaced by AC on the coding strand, the reverse complement: PEX6 is on the minus strand). VCF-style: chr6-42969936-ATC-GT. GRCh37 (hg19) VCF-style: chr6-42937674-ATC-GT.
Other names: c.916_918delinsAC, p.Asp306fs (NM_001316313.2); short protein forms D306fs, D394fs.
Identifiers: ClinVar variation 5012877 (VCV005012877.1).

ClinVar aggregate classification (germline): Pathogenic (1 of 4 stars; one submission).

Conditions:
Peroxisome biogenesis disorder. Identifiers: Orphanet 79189, MedGen C1832200, MONDO:0019234. Disease mechanism: loss of function.

Submission:

Myriad Genetics, Inc.
Classification: Pathogenic for Peroxisome biogenesis disorder. Last evaluated: 2024-03-30. Review status: criteria provided, single submitter. Criteria: Myriad Autosomal Dominant, Autosomal Recessive and X-Linked Classification Criteria (2023). Collection method: clinical testing. Allele origin: unknown.
Comment: NM_000287.3(PEX6):c.1180_1182delGATinsAC(D394Tfs*23) is expected to be pathogenic in the context of peroxisome biogenesis disorder type 4. This variant is predicted to lead to an abnormal or absent protein product due to the creation of a premature termination codon in PEX6, a gene where loss-of-function variants are known to be pathogenic. Please note: this variant was assessed in the context of healthy population screening.